The following is an entry in ClinVar:

ClinVar aggregate classification (germline): Pathogenic (1 of 4 stars; one submission).

Conditions:
Ectodermal dysplasia 10A, hypohidrotic/hair/nail type, autosomal dominant (ECTD10A). Also called: Ectodermal Dysplasia 3, Anhidrotic. Identifiers: Orphanet 1810, Orphanet 238468, MedGen C3888065, MONDO:0007509, OMIM 129490.
Autosomal recessive hypohidrotic ectodermal dysplasia syndrome. Also called: Autosomal recessive hypohidrotic ectodermal dysplasia. Identifiers: Orphanet 248, MedGen C0406702, MONDO:0016619.

Submission:

Labcorp Genetics (formerly Invitae), Labcorp
Classification: Pathogenic for Ectodermal dysplasia 10A, hypohidrotic/hair/nail type, autosomal dominant; Autosomal recessive hypohidrotic ectodermal dysplasia syndrome. Last evaluated: 2023-09-15. Review status: criteria provided, single submitter. Criteria: Invitae Variant Classification Sherloc (09022015). Collection method: clinical testing. Allele origin: germline.
Comment: For these reasons, this variant has been classified as Pathogenic. This missense change has been observed in individual(s) with autosomal dominant ectodermal dysplasia (Invitae). In at least one individual the variant was observed to be de novo. Advanced modeling of protein sequence and biophysical properties (such as structural, functional, and spatial information, amino acid conservation, physicochemical variation, residue mobility, and thermodynamic stability) performed at Invitae indicates that this missense variant is expected to disrupt EDAR protein function. This sequence change replaces leucine, which is neutral and non-polar, with serine, which is neutral and polar, at codon 427 of the EDAR protein (p.Leu427Ser). This variant is not present in population databases (gnomAD no frequency).

NM_022336.4(EDAR):c.1280T>C (p.Leu427Ser)

Genes: EDAR (ectodysplasin A receptor; minus strand), RANBP2 (RAN binding protein 2; plus strand). Cytogenetic location: 2q13.
Variant type: single nucleotide variant.
Coding change: c.1280T>C on transcript NM_022336.4 (MANE Select); coding-DNA position 1280, T replaced by C.
Protein change: p.Leu427Ser; replaces leucine 427 with serine.
Molecular consequence: missense variant.
Genome position (GRCh38, 1-based): chr2:108,896,974, A>G on the plus strand (T>C on the coding strand, the complement: EDAR is on the minus strand). VCF-style: chr2-108896974-A-G. GRCh37 (hg19) VCF-style: chr2-109513430-A-G.
Other names: short protein forms L427S.
Identifiers: ClinVar variation 2950142 (VCV002950142.3), dbSNP rs2470612710, ClinGen allele CA348047660.